The following is an entry in ClinVar:

NM_000352.6(ABCC8):c.4288C>T (p.Leu1430Phe)

Gene: ABCC8 (ATP binding cassette subfamily C member 8; minus strand). Cytogenetic location: 11p15.1.
Variant type: single nucleotide variant.
Coding change: c.4288C>T on transcript NM_000352.6 (MANE Select); coding-DNA position 4288, C replaced by T.
Protein change: p.Leu1430Phe; replaces leucine 1430 with phenylalanine.
Molecular consequence: missense variant. On other transcripts: non-coding transcript variant (1).
Genome position (GRCh38, 1-based): chr11:17,395,629, G>A on the plus strand (C>T on the coding strand, the complement: ABCC8 is on the minus strand). VCF-style: chr11-17395629-G-A. GRCh37 (hg19) VCF-style: chr11-17417176-G-A.
Other names: c.4291C>T, p.Leu1431Phe (NM_001287174.3); c.4354C>T, p.Leu1452Phe (NM_001351295.2); c.4288C>T, p.Leu1430Phe (NM_001351296.2); c.4285C>T, p.Leu1429Phe (NM_001351297.2); short protein forms L1430F, L1431F, L1429F, L1452F.
Identifiers: ClinVar variation 3599305 (VCV003599305.3).

ClinVar aggregate classification (germline): Conflicting classifications of pathogenicity. Review status: criteria provided, conflicting classifications (1 of 4 stars). 2 submissions from 2 submitters: Likely pathogenic (1); Uncertain significance (1). Last evaluated 2024-06-10.

Conditions:
Type 2 diabetes mellitus. Also called: Type II diabetes mellitus. Identifiers: MedGen C0011860, MeSH D003924, MONDO:0005148, OMIM 125853, HP:0005978.
Leucine-induced hypoglycemia (LIH). Also called: LEUCINE-SENSITIVE HYPOGLYCEMIA OF INFANCY. Identifiers: MedGen C0271714, MONDO:0009415, OMIM 240800.
Diabetes mellitus, permanent neonatal 3. Also called: ABCC8-Related Permanent Neonatal Diabetes Mellitus. Identifiers: MedGen C5394303, MONDO:0030088, OMIM 618857.
Diabetes mellitus, transient neonatal, 2 (TNDM2). Identifiers: Orphanet 99886, MedGen C1835887, MONDO:0012480, OMIM 610374. Disease mechanism: loss of function.
Hyperinsulinemic hypoglycemia, familial, 1 (HHF1). Also called: NESIDIOBLASTOSIS OF PANCREAS; Persistent hyperinsulinemic hypoglycemia of infancy; HYPERINSULINISM, FAMILIAL, WITH PANCREATIC NESIDIOBLASTOSIS; HYPOGLYCEMIA, HYPERINSULINEMIC, OF INFANCY; Persistent Hyperinsulinemia Hypoglycemia of Infancy. Identifiers: Orphanet 276575, Orphanet 276598, MedGen C2931832, MONDO:0009734, OMIM 256450.

Submissions (2):

Labcorp Genetics (formerly Invitae), Labcorp
Classification: Uncertain significance. Last evaluated: 2024-06-10. Review status: criteria provided, single submitter. Criteria: Invitae Variant Classification Sherloc (09022015). Collection method: clinical testing. Allele origin: germline.
Comment: This sequence change replaces leucine, which is neutral and non-polar, with phenylalanine, which is neutral and non-polar, at codon 1430 of the ABCC8 protein (p.Leu1430Phe). This variant is not present in population databases (gnomAD no frequency). This missense change has been observed in individual(s) with familial hyperinsulinism (PMID: 21674179). This variant is also known as L1431F (c.4291C>T) . Advanced modeling of protein sequence and biophysical properties (such as structural, functional, and spatial information, amino acid conservation, physicochemical variation, residue mobility, and thermodynamic stability) performed at Invitae indicates that this missense variant is expected to disrupt ABCC8 protein function with a positive predictive value of 95%. Experimental studies have shown that this missense change affects ABCC8 function (PMID: 21674179). In summary, the available evidence is currently insufficient to determine the role of this variant in disease. Therefore, it has been classified as a Variant of Uncertain Significance.

Fulgent Genetics
Classification: Likely pathogenic for Type 2 diabetes mellitus; Leucine-induced hypoglycemia; Hyperinsulinemic hypoglycemia, familial, 1; Diabetes mellitus, transient neonatal, 2; Diabetes mellitus, permanent neonatal 3. Last evaluated: 2024-02-21. Review status: criteria provided, single submitter. Criteria: ACMG Guidelines, 2015. Collection method: clinical testing. Allele origin: germline.

Literature cited by the submitters: PubMed 21674179 (cited by Labcorp Genetics (formerly Invitae), Labcorp).